The following is an entry in ClinVar:

NM_012108.4(STAP1):c.382G>A (p.Val128Met)

Gene: STAP1 (signal transducing adaptor family member 1; plus strand). Cytogenetic location: 4q13.2.
Variant type: single nucleotide variant.
Coding change: c.382G>A on transcript NM_012108.4 (MANE Select); coding-DNA position 382, G replaced by A.
Protein change: p.Val128Met; replaces valine 128 with methionine.
Molecular consequence: missense variant.
Genome position (GRCh38, 1-based): chr4:67,581,323, G>A. VCF-style: chr4-67581323-G-A. GRCh37 (hg19) VCF-style: chr4-68447041-G-A.
Other names: c.382G>A, p.Val128Met (NM_001317769.2); short protein forms V128M.
Identifiers: ClinVar variation 3323079 (VCV003323079.1).

ClinVar aggregate classification (germline): Uncertain significance (1 of 4 stars; one submission).

gnomAD v4.1: 8 of 1,612,334 alleles (0.0005%); highest among the groups gnomAD compares: South Asian, 0.0055%; no homozygotes.

Submission:

Ambry Genetics
Classification: Uncertain significance. Last evaluated: 2024-05-30. Review status: criteria provided, single submitter. Criteria: Ambry Variant Classification Scheme 2023. Collection method: clinical testing. Allele origin: germline.
Comment: The p.V128M variant (also known as c.382G>A), located in coding exon 5 of the STAP1 gene, results from a G to A substitution at nucleotide position 382. The valine at codon 128 is replaced by methionine, an amino acid with highly similar properties. This amino acid position is conserved. In addition, this alteration is predicted to be tolerated by in silico analysis. Based on the available evidence, the clinical significance of this variant remains unclear.